The following is an entry in ClinVar:

NM_001281956.2(CSMD2):c.7808G>T (p.Arg2603Leu)

Gene: CSMD2 (CUB and Sushi multiple domains 2; minus strand). Cytogenetic location: 1p35.1.
Variant type: single nucleotide variant.
Coding change: c.7808G>T on transcript NM_001281956.2 (MANE Select); coding-DNA position 7808, G replaced by T.
Protein change: p.Arg2603Leu; replaces arginine 2603 with leucine.
Molecular consequence: missense variant.
Genome position (GRCh38, 1-based): chr1:33,571,681, C>A on the plus strand (G>T on the coding strand, the complement: CSMD2 is on the minus strand). VCF-style: chr1-33571681-C-A. GRCh37 (hg19) VCF-style: chr1-34037281-C-A.
Other names: c.7814G>T, p.Arg2605Leu (NM_052896.5); short protein forms R2605L, R2603L.
Identifiers: ClinVar variation 161791 (VCV000161791.2), dbSNP rs193921034, ClinGen allele CA174790.
Genomic context (GRCh38, chr1:33,571,681, plus strand): 5'-TCACAGATGAGCATCAGCTGGGCCTGGAACTGATACTGTGTCTCAAAGATAAGCCTCCAT[C>A]GGCCATGCTCCACGCTGATGCTACTGACATCAGGACAAGTCACAGCTGGGGAAATGAGGA-3'
Protein context (NP_001268885.1, residues 2593-2613): DVSSISVEHG[Arg2603Leu]WRLIFETQYQ

ClinVar aggregate classification (germline): Uncertain significance (0 of 4 stars; one submission).

Conditions:
Prostate cancer. Also called: Malignant tumor of prostate. Identifiers: Orphanet 1331, MedGen C0376358, MONDO:0008315, HP:0012125.

Submission:

Science for Life laboratory,  Karolinska Institutet
Classification: Uncertain significance for Malignant tumor of prostate. Review status: no assertion criteria provided. Collection method: not provided. Allele origin: somatic.
Comment: TumorID:SWE-8
ClinVar note: Converted during submission from Unknown to Uncertain significance.